The following is an entry in ClinVar:

ClinVar aggregate classification (germline): Uncertain significance. Review status: criteria provided, multiple submitters, no conflicts (2 of 4 stars). 3 submissions from 3 submitters: Uncertain significance (2). 1 of the submissions does not count toward it. Last evaluated 2024-01-30.

Conditions:
Wilson disease (WND). Also called: Wilson's disease. Identifiers: Orphanet 905, MedGen C0019202, MONDO:0010200, OMIM 277900. Disease mechanism: loss of function.

Allele frequency attached by ClinVar (database versions not stated): gnomAD exomes 0.00001.
gnomAD v4.1: 9 of 1,614,180 alleles (0.00056%); highest among the groups gnomAD compares: Non-Finnish European, 0.00076%; no homozygotes.

Submissions (3):

Mayo Clinic Laboratories, Mayo Clinic
Classification: Uncertain significance. Last evaluated: 2024-01-30. Review status: criteria provided, single submitter. Criteria: ACMG Guidelines, 2015. Collection method: clinical testing. Allele origin: germline. Observed: 1 variant allele.
Comment: PP3, PM2_moderate, PM3

All of Us Research Program, National Institutes of Health
Classification: Uncertain significance for Wilson disease. Last evaluated: 2023-11-20. Review status: criteria provided, single submitter. Criteria: ACMG Guidelines, 2015. Collection method: clinical testing. Allele origin: germline. Inheritance: Autosomal recessive inheritance. Observed: 1 variant allele, 1 heterozygote.
Comment: This missense variant replaces lysine with arginine at codon 785 of the ATP7B protein. Splice site prediction tools predict that this variant may have a significant impact on RNA splicing. Computational prediction suggests that this variant may have deleterious impact on protein structure and function (internally defined REVEL score threshold >= 0.7, PMID: 27666373). To our knowledge, functional studies have not been reported for this variant. This variant has not been reported in individuals affected with Wilson disease in the literature. This variant has not been identified in the general population by the Genome Aggregation Database (gnomAD). The available evidence is insufficient to determine the role of this variant in disease conclusively. Therefore, this variant is classified as a Variant of Uncertain Significance.

This study involves interpretation of variants in research participants for the purpose of population health screening. Participant phenotype was not available at the time of variant classification. Additional details can be found in publication PMID: 35346344, PMCID: PMC8962531

Counsyl
Classification: Uncertain significance for Wilson disease. Last evaluated: 2017-02-10. Review status: no assertion criteria provided. Collection method: clinical testing. Allele origin: unknown. Not counted in ClinVar's aggregate classification.

Literature cited by the submitters: PubMed 23518715 (cited by Mayo Clinic Laboratories, Mayo Clinic and Counsyl); PubMed 36131069 (cited by Mayo Clinic Laboratories, Mayo Clinic); PubMed 36308701 (cited by Mayo Clinic Laboratories, Mayo Clinic).

NM_000053.4(ATP7B):c.2354A>G (p.Lys785Arg)

Gene: ATP7B (ATPase copper transporting beta; minus strand). Cytogenetic location: 13q14.3.
Variant type: single nucleotide variant.
Coding change: c.2354A>G on transcript NM_000053.4 (MANE Select); coding-DNA position 2354, A replaced by G.
Protein change: p.Lys785Arg; replaces lysine 785 with arginine.
Molecular consequence: missense variant. On other transcripts: intron variant (2).
Genome position (GRCh38, 1-based): chr13:51,958,312, T>C on the plus strand (A>G on the coding strand, the complement: ATP7B is on the minus strand). VCF-style: chr13-51958312-T-C. GRCh37 (hg19) VCF-style: chr13-52532448-T-C.
Other names: p.Lys785Arg; c.2122-705A>G (NM_001330578.2); c.2021A>G, p.Lys674Arg (NM_001243182.2); c.2102A>G, p.Lys701Arg (NM_001330579.2); c.1870-705A>G (NM_001005918.3); short protein forms K785R, K674R, K701R.
Identifiers: ClinVar variation 550711 (VCV000550711.4), dbSNP rs1555291085, ClinGen allele CA388020441.